The following is an entry in ClinVar:

ClinVar aggregate classification (germline): Likely benign (0 of 4 stars; one submission).

Conditions:
KSR2-related disorder. Also called: KSR2-related condition.

Allele frequency attached by ClinVar (database versions not stated): TOPMed 0.00001; gnomAD 0.00006; gnomAD exomes 0.00007; ExAC 0.00013; 1000 Genomes Project 30x 0.00016; 1000 Genomes Project 0.00020.
gnomAD v4.1: 108 of 1,613,862 alleles (0.0067%); highest among the groups gnomAD compares: South Asian, 0.085%; 1 homozygote.

Submission:

PreventionGenetics, part of Exact Sciences
Classification: Likely benign for KSR2-related condition. Last evaluated: 2019-06-13. Review status: no assertion criteria provided. Collection method: clinical testing. Allele origin: germline.
Comment: This variant is classified as likely benign based on ACMG/AMP sequence variant interpretation guidelines (Richards et al. 2015 PMID: 25741868, with internal and published modifications).

NM_173598.6(KSR2):c.322-10C>T

Gene: KSR2 (kinase suppressor of ras 2; minus strand). Cytogenetic location: 12q24.23.
Variant type: single nucleotide variant.
Coding change: c.322-10C>T on transcript NM_173598.6 (MANE Select); 10 bases into the intron before coding-DNA position 322, C replaced by T.
Molecular consequence: intron variant.
Genome position (GRCh38, 1-based): chr12:117,855,588, G>A on the plus strand (C>T on the coding strand, the complement: KSR2 is on the minus strand). VCF-style: chr12-117855588-G-A. GRCh37 (hg19) VCF-style: chr12-118293393-G-A.
Identifiers: ClinVar variation 3034256 (VCV003034256.2), dbSNP rs538256633, ClinGen allele CA6816369.